The following is an entry in ClinVar:

ClinVar aggregate classification (germline): Uncertain significance (1 of 4 stars; one submission).

Conditions:
Charcot-Marie-Tooth disease axonal type 2O. Also called: Charcot-Marie-Tooth disease, axonal, type 20; CHARCOT-MARIE-TOOTH NEUROPATHY, AXONAL, TYPE 2O; CHARCOT-MARIE-TOOTH DISEASE, AXONAL, AUTOSOMAL DOMINANT, TYPE 2O; Charcot-Marie-Tooth Neuropathy Type 2O. Identifiers: Orphanet 284232, MedGen C3280220, MONDO:0013644, OMIM 614228.

Submission:

Labcorp Genetics (formerly Invitae), Labcorp
Classification: Uncertain significance for Charcot-Marie-Tooth disease axonal type 2O. Last evaluated: 2023-01-15. Review status: criteria provided, single submitter. Criteria: Invitae Variant Classification Sherloc (09022015). Collection method: clinical testing. Allele origin: germline.
Comment: In summary, the available evidence is currently insufficient to determine the role of this variant in disease. Therefore, it has been classified as a Variant of Uncertain Significance. Advanced modeling of protein sequence and biophysical properties (such as structural, functional, and spatial information, amino acid conservation, physicochemical variation, residue mobility, and thermodynamic stability) performed at Invitae indicates that this missense variant is not expected to disrupt DYNC1H1 protein function. This variant has not been reported in the literature in individuals affected with DYNC1H1-related conditions. This variant is not present in population databases (gnomAD no frequency). This sequence change replaces tyrosine, which is neutral and polar, with phenylalanine, which is neutral and non-polar, at codon 3379 of the DYNC1H1 protein (p.Tyr3379Phe).

NM_001376.5(DYNC1H1):c.10136A>T (p.Tyr3379Phe)

Gene: DYNC1H1 (dynein cytoplasmic 1 heavy chain 1; plus strand). Cytogenetic location: 14q32.31.
Variant type: single nucleotide variant.
Coding change: c.10136A>T on transcript NM_001376.5 (MANE Select); coding-DNA position 10136, A replaced by T.
Protein change: p.Tyr3379Phe; replaces tyrosine 3379 with phenylalanine.
Molecular consequence: missense variant.
Genome position (GRCh38, 1-based): chr14:102,033,121, A>T. VCF-style: chr14-102033121-A-T. GRCh37 (hg19) VCF-style: chr14-102499458-A-T.
Other names: short protein forms Y3379F.
Identifiers: ClinVar variation 2828646 (VCV002828646.3), dbSNP rs2503822917, ClinGen allele CA391022161.